The following is an entry in ClinVar:

NM_001370658.1(BTD):c.1159C>T (p.Pro387Ser)

Gene: BTD (biotinidase; plus strand). Cytogenetic location: 3p25.1.
Variant type: single nucleotide variant.
Coding change: c.1159C>T on transcript NM_001370658.1 (MANE Select); coding-DNA position 1159, C replaced by T.
Protein change: p.Pro387Ser; replaces proline 387 with serine.
Molecular consequence: missense variant. On other transcripts: intron variant (2).
Genome position (GRCh38, 1-based): chr3:15,645,075, C>T. VCF-style: chr3-15645075-C-T. GRCh37 (hg19) VCF-style: chr3-15686582-C-T.
Other names: c.1219C>T, p.Pro407Ser (NM_000060.4); c.1159C>T, p.Pro387Ser (NM_001281723.4, NM_001281724.3, NM_001281725.3 and 16 more transcripts); c.1015+144C>T (NM_001370752.1); c.399+3018C>T (NM_001370753.1); short protein forms P387S, P407S.
Identifiers: ClinVar variation 1419744 (VCV001419744.7), dbSNP rs777799585, ClinGen allele CA2277437.

ClinVar aggregate classification (germline): Uncertain significance (1 of 4 stars; one submission).

Conditions:
Biotinidase deficiency. Also called: BTD deficiency; Late-onset biotin-responsive multiple carboxylase deficiency; Biotin deficiency. Identifiers: Orphanet 79241, MedGen C0220754, MONDO:0009665, OMIM 253260.

Allele frequency attached by ClinVar (database versions not stated): gnomAD exomes below 0.00001; ExAC 0.00001; gnomAD 0.00001.
gnomAD v4.1: 1 of 1,614,074 alleles (0.000062%); no homozygotes.

Submission:

Labcorp Genetics (formerly Invitae), Labcorp
Classification: Uncertain significance for Biotinidase deficiency. Last evaluated: 2024-04-10. Review status: criteria provided, single submitter. Criteria: Invitae Variant Classification Sherloc (09022015). Collection method: clinical testing. Allele origin: germline.
Comment: This sequence change replaces proline, which is neutral and non-polar, with serine, which is neutral and polar, at codon 407 of the BTD protein (p.Pro407Ser). This variant is present in population databases (rs777799585, gnomAD 0.004%). This variant has not been reported in the literature in individuals affected with BTD-related conditions. ClinVar contains an entry for this variant (Variation ID: 1419744). Advanced modeling of protein sequence and biophysical properties (such as structural, functional, and spatial information, amino acid conservation, physicochemical variation, residue mobility, and thermodynamic stability) performed at Invitae indicates that this missense variant is expected to disrupt BTD protein function with a positive predictive value of 95%. In summary, the available evidence is currently insufficient to determine the role of this variant in disease. Therefore, it has been classified as a Variant of Uncertain Significance.